The following is an entry in ClinVar:

ClinVar aggregate classification (germline): Uncertain significance (1 of 4 stars; one submission).

Submission:

Labcorp Genetics (formerly Invitae), Labcorp
Classification: Uncertain significance. Last evaluated: 2022-02-20. Review status: criteria provided, single submitter. Criteria: Invitae Variant Classification Sherloc (09022015). Collection method: clinical testing. Allele origin: germline.
Comment: This sequence change replaces threonine, which is neutral and polar, with serine, which is neutral and polar, at codon 448 of the TYRP1 protein (p.Thr448Ser). This variant is not present in population databases (gnomAD no frequency). This variant has not been reported in the literature in individuals affected with TYRP1-related conditions. Algorithms developed to predict the effect of missense changes on protein structure and function (SIFT, PolyPhen-2, Align-GVGD) all suggest that this variant is likely to be tolerated. In summary, the available evidence is currently insufficient to determine the role of this variant in disease. Therefore, it has been classified as a Variant of Uncertain Significance.

NM_000550.3(TYRP1):c.1343C>G (p.Thr448Ser)

Genes: LURAP1L-AS1 (LURAP1L antisense RNA 1; minus strand), TYRP1 (tyrosinase related protein 1; plus strand). Cytogenetic location: 9p23.
Variant type: single nucleotide variant.
Coding change: c.1343C>G on transcript NM_000550.3 (MANE Select); coding-DNA position 1343, C replaced by G.
Protein change: p.Thr448Ser; replaces threonine 448 with serine.
Molecular consequence: missense variant.
Genome position (GRCh38, 1-based): chr9:12,708,078, C>G. VCF-style: chr9-12708078-C-G. GRCh37 (hg19) VCF-style: chr9-12708078-C-G.
Other names: short protein forms T448S.
Identifiers: ClinVar variation 2100329 (VCV002100329.1), dbSNP rs2537293500, ClinGen allele CA372943947.